The following is an entry in ClinVar:

ClinVar aggregate classification (germline): Uncertain significance (1 of 4 stars; one submission).

Allele frequency attached by ClinVar (database versions not stated): gnomAD 0.00001; gnomAD exomes 0.00001; TOPMed 0.00002; ESP Exome Variant Server 0.00008.

Submission:

Labcorp Genetics (formerly Invitae), Labcorp
Classification: Uncertain significance. Last evaluated: 2022-11-23. Review status: criteria provided, single submitter. Criteria: Invitae Variant Classification Sherloc (09022015). Collection method: clinical testing. Allele origin: germline.
Comment: In summary, the available evidence is currently insufficient to determine the role of this variant in disease. Therefore, it has been classified as a Variant of Uncertain Significance. Variants that disrupt the consensus splice site are a relatively common cause of aberrant splicing (PMID: 17576681, 9536098). Algorithms developed to predict the effect of sequence changes on RNA splicing suggest that this variant is not likely to affect RNA splicing. This variant has not been reported in the literature in individuals affected with C7-related conditions. This variant is present in population databases (rs374810598, gnomAD 0.007%). This sequence change falls in intron 1 of the C7 gene. It does not directly change the encoded amino acid sequence of the C7 protein. It affects a nucleotide within the consensus splice site.

Literature cited by the submitters: PubMed 17576681; PubMed 9536098.

NM_000587.4(C7):c.6+5G>C

Gene: C7 (complement C7; plus strand). Cytogenetic location: 5p13.1.
Variant type: single nucleotide variant.
Coding change: c.6+5G>C on transcript NM_000587.4 (MANE Select); 5 bases into the intron after coding-DNA position 6, G replaced by C.
Molecular consequence: intron variant.
Genome position (GRCh38, 1-based): chr5:40,909,621, G>C. VCF-style: chr5-40909621-G-C. GRCh37 (hg19) VCF-style: chr5-40909723-G-C.
Identifiers: ClinVar variation 1975976 (VCV001975976.4), dbSNP rs374810598, ClinGen allele CA117230372.
Genomic context (GRCh38, chr5:40,909,621, plus strand): 5'-TTACAGAGGAAATCTTCCTCCTCTCTTCTGCCCTGAATGTTTTCCCAAACATGAAGGTAA[G>C]ACAATAAATTCATTACTTTTGTAAATGAAGCTATCTTTTCAAATGAACGGGGGTAATATA-3'